The following is an entry in ClinVar:

ClinVar aggregate classification (germline): Likely pathogenic (1 of 4 stars; one submission).

Submission:

Labcorp Genetics (formerly Invitae), Labcorp
Classification: Likely pathogenic. Last evaluated: 2020-08-14. Review status: criteria provided, single submitter. Criteria: Invitae Variant Classification Sherloc (09022015). Collection method: clinical testing. Allele origin: germline.
Comment: In summary, the currently available evidence indicates that the variant is pathogenic, but additional data are needed to prove that conclusively. Therefore, this variant has been classified as Likely Pathogenic. Donor and acceptor splice site variants typically lead to a loss of protein function (PMID: 16199547), and loss-of-function variants in CYP11B2 are known to be pathogenic (PMID: 20494601, 22801770, 26936515). Algorithms developed to predict the effect of sequence changes on RNA splicing suggest that this variant may disrupt the consensus splice site, but this prediction has not been confirmed by published transcriptional studies. This variant has not been reported in the literature in individuals with CYP11B2-related conditions. This variant is not present in population databases (ExAC no frequency). This sequence change affects an acceptor splice site in intron 4 of the CYP11B2 gene. It is expected to disrupt RNA splicing and likely results in an absent or disrupted protein product.

Literature cited by the submitters: PubMed 16199547; PubMed 20494601; PubMed 22801770; PubMed 26936515.

NM_000498.3(CYP11B2):c.800-1G>T

Genes: CYP11B2 (cytochrome P450 family 11 subfamily B member 2; minus strand), LOC106799834 (CYP11B2 recombination region; plus strand). Cytogenetic location: 8q24.3.
Variant type: single nucleotide variant.
Coding change: c.800-1G>T on transcript NM_000498.3 (MANE Select); the canonical splice acceptor site of the intron before coding-DNA position 800, G replaced by T.
Molecular consequence: splice acceptor variant.
Genome position (GRCh38, 1-based): chr8:142,914,419, C>A on the plus strand (G>T on the coding strand, the complement: CYP11B2 is on the minus strand). VCF-style: chr8-142914419-C-A. GRCh37 (hg19) VCF-style: chr8-143995835-C-A.
Identifiers: ClinVar variation 1066280 (VCV001066280.7), dbSNP rs2130329063, ClinGen allele CA372389013.